The following is an entry in ClinVar:

NM_000455.5(STK11):c.*38A>T

Gene: STK11 (serine/threonine kinase 11; plus strand). Cytogenetic location: 19p13.3.
Variant type: single nucleotide variant.
Coding change: c.*38A>T on transcript NM_000455.5 (MANE Select); 38 bases downstream of the stop codon, A replaced by T.
Molecular consequence: 3 prime UTR variant. On other transcripts: non-coding transcript variant (1).
Genome position (GRCh38, 1-based): chr19:1,227,614, A>T. VCF-style: chr19-1227614-A-T. GRCh37 (hg19) VCF-style: chr19-1227613-A-T.
Identifiers: ClinVar variation 3381825 (VCV003381825.14).

ClinVar aggregate classification (germline): Likely benign. Review status: criteria provided, multiple submitters, no conflicts (2 of 4 stars). 2 submissions from 2 submitters: Likely benign (2). Last evaluated 2025-02-01.

Conditions:
Hereditary cancer-predisposing syndrome. Also called: Neoplastic Syndromes, Hereditary; Tumor predisposition; Hereditary Cancer Syndrome; Hereditary neoplastic syndrome. Identifiers: Orphanet 140162, MedGen C0027672, MeSH D009386, MONDO:0015356.

gnomAD v4.1: 16 of 1,065,310 alleles (0.0015%); highest among the groups gnomAD compares: South Asian, 0.0045%; no homozygotes.

Submissions (2):

CeGaT Center for Human Genetics Tuebingen
Classification: Likely benign. Last evaluated: 2025-02-01. Review status: criteria provided, single submitter. Criteria: CeGaT Center For Human Genetics Tuebingen Variant Classification Criteria Version 2. Collection method: clinical testing. Allele origin: germline. Affected: yes. Observed: 1 variant allele.
Comment: STK11: BP4, BP7

Institute for Biomarker Research, Medical Diagnostic Laboratories, L.L.C.
Classification: Likely benign for Hereditary cancer-predisposing syndrome. Last evaluated: 2024-08-28. Review status: criteria provided, single submitter. Criteria: ACMG Guidelines, 2015. Collection method: clinical testing. Allele origin: germline.
Comment: The 3' UTR variant NM_000455.5(STK11):c.*38A>T has not been reported previously as a pathogenic variant nor as a benign variant, to our knowledge. The c.*38A>T variant is novel (not in any individuals) in gnomAD. The c.*38A>T variant is novel (not in any individuals) in 1kG. The c.*38A>T variant is a UTR variant. For these reasons, this variant has been classified as Likely Benign.